The following is an entry in ClinVar:

ClinVar aggregate classification (germline): Uncertain significance (1 of 4 stars; one submission).

Allele frequency attached by ClinVar (database versions not stated): gnomAD exomes below 0.00001.
gnomAD v4.1: 1 of 1,596,686 alleles (0.000063%); highest among the groups gnomAD compares: Middle Eastern, 0.017%; no homozygotes.

Submission:

Labcorp Genetics (formerly Invitae), Labcorp
Classification: Uncertain significance. Last evaluated: 2021-10-14. Review status: criteria provided, single submitter. Criteria: Invitae Variant Classification Sherloc (09022015). Collection method: clinical testing. Allele origin: germline.
Comment: This sequence change falls in intron 3 of the LYN gene. It does not directly change the encoded amino acid sequence of the LYN protein. It affects a nucleotide within the consensus splice site. This variant is not present in population databases (ExAC no frequency). This variant has not been reported in the literature in individuals affected with LYN-related conditions. Variants that disrupt the consensus splice site are a relatively common cause of aberrant splicing (PMID: 17576681, 9536098). Algorithms developed to predict the effect of sequence changes on RNA splicing suggest that this variant is not likely to affect RNA splicing. In summary, the available evidence is currently insufficient to determine the role of this variant in disease. Therefore, it has been classified as a Variant of Uncertain Significance.

Literature cited by the submitters: PubMed 17576681; PubMed 9536098.

NM_002350.4(LYN):c.179-3T>C

Gene: LYN (LYN proto-oncogene, Src family tyrosine kinase; plus strand). Cytogenetic location: 8q12.1.
Variant type: single nucleotide variant.
Coding change: c.179-3T>C on transcript NM_002350.4 (MANE Select); 3 bases into the intron before coding-DNA position 179, T replaced by C.
Molecular consequence: intron variant.
Genome position (GRCh38, 1-based): chr8:55,947,615, T>C. VCF-style: chr8-55947615-T-C. GRCh37 (hg19) VCF-style: chr8-56860174-T-C.
Other names: c.116-3T>C (NM_001111097.3).
Identifiers: ClinVar variation 1387104 (VCV001387104.6), dbSNP rs2130486343, ClinGen allele CA2573143179.